The following is an entry in ClinVar:

NM_153676.4(USH1C):c.301_311del (p.Ser101fs)

Gene: USH1C (USH1 protein network component harmonin; minus strand). Cytogenetic location: 11p15.1.
Variant type: Deletion.
Coding change: c.301_311del on transcript NM_153676.4 (MANE Select); coding-DNA positions 301 to 311, 11 bases deleted (AGTGTGCGTGG).
Protein change: p.Ser101fs; shifts the reading frame from serine 101.
Molecular consequence: frameshift variant. On other transcripts: non-coding transcript variant (1).
Genome position (GRCh38, 1-based): chr11:17,531,230-17,531,240, CCACGCACACT deleted on the plus strand (AGTGTGCGTGG on the coding strand, the reverse complement: USH1C is on the minus strand); deleting any 11 consecutive bases within chr11:17,531,230-17,531,241 gives the same sequence; the c. name uses the placement nearest the transcript's 3' end. VCF-style (leftmost placement, unchanged base first): chr11-17531229-ACCACGCACACT-A. GRCh37 (hg19) VCF-style: chr11-17552776-ACCACGCACACT-A.
Other names: c.301_311del, p.Ser101fs (NM_001297764.2, NM_005709.4); short protein forms S101fs.
Identifiers: ClinVar variation 1726916 (VCV001726916.2), dbSNP rs2497223701, ClinGen allele CA2580082799.

ClinVar aggregate classification (germline): Likely pathogenic (1 of 4 stars; one submission).

Conditions:
Usher syndrome type 1C. Also called: USHER SYNDROME, TYPE I, ACADIAN VARIETY. Identifiers: Orphanet 231169, Orphanet 886, MedGen C1848604, MONDO:0010171, OMIM 276904.

Submission:

Myriad Genetics, Inc.
Classification: Likely pathogenic for Usher syndrome type 1C. Last evaluated: 2022-01-02. Review status: criteria provided, single submitter. Criteria: Myriad Women's Health Autosomal Recessive and X-Linked Classification Criteria (2021). Collection method: clinical testing. Allele origin: unknown.
Comment: NM_005709.3(USH1C):c.301_311del11(S101Wfs*44) is expected to be pathogenic in the context of USH1C-related disorders. This variant is predicted to lead to an abnormal or absent protein product due to the creation of a premature termination codon in USH1C, a gene where loss-of-function variants are known to be pathogenic. Please note: this variant was assessed in the context of healthy population screening.